The following is an entry in ClinVar:

ClinVar aggregate classification (germline): Benign. Review status: criteria provided, multiple submitters, no conflicts (2 of 4 stars). 2 submissions from 2 submitters: Benign (2). Last evaluated 2025-08-29.

Allele frequency attached by ClinVar (database versions not stated): gnomAD 0.00006 and 0.00007; TOPMed 0.00006; 1000 Genomes Project 30x 0.00016; gnomAD exomes 0.00022; ExAC 0.00023.
gnomAD v4.1: 102 of 1,600,910 alleles (0.0064%); highest among the groups gnomAD compares: East Asian, 0.22%; 1 homozygote.

Submissions (2):

Labcorp Genetics (formerly Invitae), Labcorp
Classification: Benign. Last evaluated: 2025-08-29. Review status: criteria provided, single submitter. Criteria: Invitae Variant Classification Sherloc (09022015). Collection method: clinical testing. Allele origin: germline.

Women's Health and Genetics/Laboratory Corporation of America, LabCorp
Classification: Benign. Last evaluated: 2019-10-29. Review status: criteria provided, single submitter. Criteria: LabCorp Variant Classification Summary - May 2015. Collection method: clinical testing. Allele origin: germline.
Comment: Variant summary: A2ML1 c.1684-16C>T alters a non-conserved nucleotide located close to a canonical splice site and therefore could affect mRNA splicing, leading to a significantly altered protein sequence. 5/5 computational tools predict no significant impact on normal splicing. However, these predictions have yet to be confirmed by functional studies. The variant allele was found at a frequency of 0.00022 in 236630 control chromosomes. The observed variant frequency is approximately 54.94 fold of the estimated maximal expected allele frequency for a pathogenic variant in A2ML1 causing Noonan Syndrome phenotype (4e-06), strongly suggesting that the variant is benign. To our knowledge, no occurrence of c.1684-16C>T in individuals affected with Noonan Syndrome and no experimental evidence demonstrating its impact on protein function have been reported. No clinical diagnostic laboratories have submitted clinical-significance assessments for this variant to ClinVar after 2014. Based on the evidence outlined above, the variant was classified as benign.

NM_144670.6(A2ML1):c.1684-16C>T

Gene: A2ML1 (alpha-2-macroglobulin like 1; plus strand). Cytogenetic location: 12p13.31.
Variant type: single nucleotide variant.
Coding change: c.1684-16C>T on transcript NM_144670.6 (MANE Select); 16 bases into the intron before coding-DNA position 1684, C replaced by T.
Molecular consequence: intron variant.
Genome position (GRCh38, 1-based): chr12:8,847,533, C>T. VCF-style: chr12-8847533-C-T. GRCh37 (hg19) VCF-style: chr12-9000129-C-T.
Other names: c.211-16C>T (NM_001282424.3).
Identifiers: ClinVar variation 929041 (VCV000929041.10), dbSNP rs761750413, ClinGen allele CA6435781.